The following is an entry in ClinVar:

NM_201596.3(CACNB2):c.994G>T (p.Val332Leu)

Gene: CACNB2 (calcium voltage-gated channel auxiliary subunit beta 2; plus strand). Cytogenetic location: 10p12.31.
Variant type: single nucleotide variant.
Coding change: c.994G>T on transcript NM_201596.3 (MANE Select); coding-DNA position 994, G replaced by T.
Protein change: p.Val332Leu; replaces valine 332 with leucine.
Molecular consequence: missense variant.
Genome position (GRCh38, 1-based): chr10:18,527,637, G>T. VCF-style: chr10-18527637-G-T. GRCh37 (hg19) VCF-style: chr10-18816566-G-T.
Other names: c.829G>T, p.Val277Leu (NM_000724.4); c.796G>T, p.Val266Leu (NM_001167945.2); c.715G>T, p.Val239Leu (NM_001330060.2); c.850G>T, p.Val284Leu (NM_201570.3); c.910G>T, p.Val304Leu (NM_201571.4); c.838G>T, p.Val280Leu (NM_201572.4); c.832G>T, p.Val278Leu (NM_201590.3); c.880G>T, p.Val294Leu (NM_201593.3); and 1 more; short protein forms V278L, V332L, V266L, V277L, V294L, V308L, V239L, V284L.
Identifiers: ClinVar variation 537365 (VCV000537365.10), dbSNP rs369543094, ClinGen allele CA5429867.

ClinVar aggregate classification (germline): Uncertain significance. Review status: criteria provided, multiple submitters, no conflicts (2 of 4 stars). 3 submissions from 3 submitters: Uncertain significance (3). Last evaluated 2025-01-21.

Conditions:
Brugada syndrome 4 (BRGDA4). Identifiers: Orphanet 130, MedGen C2678477, MONDO:0012743, OMIM 611876.
Cardiovascular phenotype. Identifiers: MedGen CN230736.

Allele frequency attached by ClinVar (database versions not stated): TOPMed 0.00002; ESP Exome Variant Server 0.00008; ExAC 0.00001; gnomAD exomes 0.00002.
gnomAD v4.1: 13 of 1,613,830 alleles (0.00081%); highest among the groups gnomAD compares: East Asian, 0.0045%; no homozygotes.

Submissions (3):

Ambry Genetics
Classification: Uncertain significance for Cardiovascular phenotype. Last evaluated: 2025-01-21. Review status: criteria provided, single submitter. Criteria: Ambry Variant Classification Scheme 2023. Collection method: clinical testing. Allele origin: germline.
Comment: The p.V278L variant (also known as c.832G>T), located in coding exon 9 of the CACNB2 gene, results from a G to T substitution at nucleotide position 832. The valine at codon 278 is replaced by leucine, an amino acid with highly similar properties. This amino acid position is conserved. In addition, this alteration is predicted to be tolerated by in silico analysis. Based on the available evidence, the clinical significance of this variant remains unclear.

Labcorp Genetics (formerly Invitae), Labcorp
Classification: Uncertain significance for Brugada syndrome 4. Last evaluated: 2024-01-09. Review status: criteria provided, single submitter. Criteria: Invitae Variant Classification Sherloc (09022015). Collection method: clinical testing. Allele origin: germline.
Comment: This sequence change replaces valine, which is neutral and non-polar, with leucine, which is neutral and non-polar, at codon 278 of the CACNB2 protein (p.Val278Leu). This variant is present in population databases (rs369543094, gnomAD 0.01%). This variant has not been reported in the literature in individuals affected with CACNB2-related conditions. ClinVar contains an entry for this variant (Variation ID: 537365). Advanced modeling of protein sequence and biophysical properties (such as structural, functional, and spatial information, amino acid conservation, physicochemical variation, residue mobility, and thermodynamic stability) performed at Invitae indicates that this missense variant is not expected to disrupt CACNB2 protein function with a negative predictive value of 80%. In summary, the available evidence is currently insufficient to determine the role of this variant in disease. Therefore, it has been classified as a Variant of Uncertain Significance.

Center for Genomics, Ann and Robert H. Lurie Children's Hospital of Chicago
Classification: Uncertain significance for Brugada syndrome 4. Last evaluated: 2021-03-30. Review status: criteria provided, single submitter. Criteria: ACMG Guidelines, 2015. Collection method: clinical testing. Allele origin: germline.
Comment: CACNB2 NM_201590.2 exon 9 p.Val278Leu (c.832G>T): This variant has not been reported in the literature but is present in 0.01% (2/18382) of East Asian alleles in the Genome Aggregation Database. This variant is present in ClinVar (Variation ID:537365). Evolutionary conservation suggests that this variant may impact the protein; however, computational predictive tools are unclear. In summary, data on this variant is insufficient for disease classification. Therefore, the clinical significance of this variant is uncertain.